The following is an entry in ClinVar:

NM_001430.5(EPAS1):c.991A>C (p.Asn331His)

Gene: EPAS1 (endothelial PAS domain protein 1; plus strand). Cytogenetic location: 2p21.
Variant type: single nucleotide variant.
Coding change: c.991A>C on transcript NM_001430.5 (MANE Select); coding-DNA position 991, A replaced by C.
Protein change: p.Asn331His; replaces asparagine 331 with histidine.
Molecular consequence: missense variant.
Genome position (GRCh38, 1-based): chr2:46,375,794, A>C. VCF-style: chr2-46375794-A-C. GRCh37 (hg19) VCF-style: chr2-46602933-A-C.
Other names: short protein forms N331H.
Identifiers: ClinVar variation 2450320 (VCV002450320.2), dbSNP rs2546470340, ClinGen allele CA346702916.

ClinVar aggregate classification (germline): Uncertain significance (1 of 4 stars; one submission).

Conditions:
Inborn genetic diseases. Identifiers: MedGen C0950123, MeSH D030342.

Submission:

Ambry Genetics
Classification: Uncertain significance for Inborn genetic diseases. Last evaluated: 2023-02-03. Review status: criteria provided, single submitter. Criteria: Ambry Variant Classification Scheme 2023. Collection method: clinical testing. Allele origin: germline.
Comment: The p.N331H variant (also known as c.991A>C), located in coding exon 8 of the EPAS1 gene, results from an A to C substitution at nucleotide position 991. The asparagine at codon 331 is replaced by histidine, an amino acid with similar properties. This amino acid position is conserved. In addition, this alteration is predicted to be tolerated by in silico analysis. Since supporting evidence is limited at this time, the clinical significance of this alteration remains unclear.